The following is an entry in ClinVar:

ClinVar aggregate classification (germline): Conflicting classifications of pathogenicity. Review status: criteria provided, conflicting classifications (1 of 4 stars). 3 submissions from 3 submitters: Pathogenic (1); Likely pathogenic (1); Uncertain significance (1). Last evaluated 2025-12-15.

Conditions:
Retinal disorder. Also called: Retinopathy; Retinopathies; Retinal Diseases; Retinal disorders. Identifiers: MedGen C0035309, MONDO:0005283, HP:0000488.

gnomAD v4.1: 2 of 1,610,674 alleles (0.00012%); highest among the groups gnomAD compares: South Asian, 0.0022%; no homozygotes.

Submissions (3):

Labcorp Genetics (formerly Invitae), Labcorp
Classification: Uncertain significance. Last evaluated: 2025-12-15. Review status: criteria provided, single submitter. Criteria: Invitae Variant Classification Sherloc (09022015). Collection method: clinical testing. Allele origin: germline.
Comment: This sequence change affects an acceptor splice site in intron 2 of the RP1L1 gene. It is expected to disrupt RNA splicing. Variants that disrupt the donor or acceptor splice site typically lead to a loss of protein function (PMID: 16199547), however the current clinical and genetic evidence is not sufficient to establish whether loss-of-function variants in RP1L1 cause disease. This variant is not present in population databases (gnomAD no frequency). This variant has not been reported in the literature in individuals affected with RP1L1-related conditions. ClinVar contains an entry for this variant (Variation ID: 4077468). Algorithms developed to predict the effect of sequence changes on RNA splicing suggest that this variant may disrupt the consensus splice site. In summary, the available evidence is currently insufficient to determine the role of this variant in disease. Therefore, it has been classified as a Variant of Uncertain Significance.

Genetics Laboratory, Great Ormond Street Hospital NHS Foundation Trust, North Thames Genomic Laboratory Hub
Classification: Pathogenic for Retinal disorders. Last evaluated: 2025-10-15. Review status: criteria provided, single submitter. Criteria: ACGS Best Practice Guidelines for Variant Classification in Rare Disease 2024 v1.2. Collection method: clinical testing. Allele origin: germline. Affected: yes.
Comment: PM2_moderate, PVS1_very-strong

Revvity Omics, Revvity
Classification: Likely pathogenic. Last evaluated: 2024-11-15. Review status: criteria provided, single submitter. Criteria: ACMG Guidelines, 2015. Collection method: clinical testing. Allele origin: germline.

Literature cited by the submitters: PubMed 16199547 (cited by Labcorp Genetics (formerly Invitae), Labcorp).

NM_178857.6(RP1L1):c.610-2A>C

Gene: RP1L1 (RP1 like 1). Cytogenetic location: 8p23.1.
Variant type: single nucleotide variant.
Coding change: c.610-2A>C on transcript NM_178857.6 (MANE Select); the canonical splice acceptor site of the intron before coding-DNA position 610, A replaced by C.
Molecular consequence: splice acceptor variant.
Genome position (GRCh38, 1-based): chr8:10,616,589, T>G on the plus strand (A>C on the coding strand, the complement: RP1L1 is on the minus strand). VCF-style: chr8-10616589-T-G. GRCh37 (hg19) VCF-style: chr8-10474099-T-G.
Identifiers: ClinVar variation 4077468 (VCV004077468.3).